The following is an entry in ClinVar:

ClinVar aggregate classification (germline): Uncertain significance (1 of 4 stars; one submission).

Conditions:
Cardiovascular phenotype. Identifiers: MedGen CN230736.

Submission:

Ambry Genetics
Classification: Uncertain significance for Cardiovascular phenotype. Last evaluated: 2025-02-20. Review status: criteria provided, single submitter. Criteria: Ambry Variant Classification Scheme 2023. Collection method: clinical testing. Allele origin: germline.
Comment: The p.L1474F variant (also known as c.4422G>C), located in coding exon 2 of the ZNF469 gene, results from a G to C substitution at nucleotide position 4422. The leucine at codon 1474 is replaced by phenylalanine, an amino acid with highly similar properties. This amino acid position is conserved. In addition, this alteration is predicted to be tolerated by in silico analysis. Based on the available evidence, the clinical significance of this variant remains unclear.

NM_001367624.2(ZNF469):c.4506G>C (p.Leu1502Phe)

Gene: ZNF469 (zinc finger protein 469; plus strand). Cytogenetic location: 16q24.2.
Variant type: single nucleotide variant.
Coding change: c.4506G>C on transcript NM_001367624.2 (MANE Select); coding-DNA position 4506, G replaced by C.
Protein change: p.Leu1502Phe; replaces leucine 1502 with phenylalanine.
Molecular consequence: missense variant.
Genome position (GRCh38, 1-based): chr16:88,431,976, G>C. VCF-style: chr16-88431976-G-C. GRCh37 (hg19) VCF-style: chr16-88498384-G-C.
Other names: NM_001127464.1:c.4422G>C; short protein forms L1502F.
Identifiers: ClinVar variation 3821152 (VCV003821152.1).
Genomic context (GRCh38, chr16:88,431,976, plus strand): 5'-CGCATGTGCCGACCCTCCCCAGAAGACGGTGCCGTCAGATCCACCGTACCCCTCTTTTTT[G>C]CTGCTTGAGGAAGTATCCCCGATGCTGCCTAGCCATTTTCCTGATCTCTCGGGGGGAAAG-3'
Protein context (NP_001354553.1, residues 1492-1512): VPSDPPYPSF[Leu1502Phe]LLEEVSPMLP